The following is an entry in ClinVar:

ClinVar aggregate classification (germline): Uncertain significance (1 of 4 stars; one submission).

Conditions:
Intellectual developmental disorder, X-linked 21. Also called: Mental retardation, X-linked 21/34; Intellectual disability, X-linked 21; MENTAL RETARDATION, X-LINKED 34. Identifiers: Orphanet 777, MedGen C5551510, MONDO:0010256, OMIM 300143.

gnomAD v4.1: 3 of 1,204,836 alleles (0.00025%); highest among the groups gnomAD compares: Non-Finnish European, 0.00034%; no homozygotes.

Submission:

Human Genetics Bochum, Ruhr University Bochum
Classification: Uncertain significance for Intellectual developmental disorder, X-linked 21. Last evaluated: 2024-07-11. Review status: criteria provided, single submitter. Criteria: ACMG Guidelines, 2015. Collection method: clinical testing. Allele origin: germline. Affected: yes.
Comment: ACMG criteria used to clasify this variant: PM2

NM_014271.4(IL1RAPL1):c.662G>A (p.Gly221Glu)

Gene: IL1RAPL1 (interleukin 1 receptor accessory protein like 1; plus strand). Cytogenetic location: Xp21.2.
Variant type: single nucleotide variant.
Coding change: c.662G>A on transcript NM_014271.4 (MANE Select); coding-DNA position 662, G replaced by A.
Protein change: p.Gly221Glu; replaces glycine 221 with glutamic acid.
Molecular consequence: missense variant.
Genome position (GRCh38, 1-based): chrX:29,399,267, G>A. VCF-style: chrX-29399267-G-A. GRCh37 (hg19) VCF-style: chrX-29417384-G-A.
Other names: short protein forms G221E.
Identifiers: ClinVar variation 4687980 (VCV004687980.1).
Genomic context (GRCh38, chrX:29,399,267, plus strand): 5'-TGCTTATAAGAGAAGTCAGAGAAGATGACATTGGAAATTATACCTGTGAATTAAAATATG[G>A]AGGCTTTGTTGTGAGAAGAACTACTGAATTAACTGTTACAGGTAATCACAGTCTTCAATA-3'
Protein context (NP_055086.1, residues 211-231): IGNYTCELKY[Gly221Glu]GFVVRRTTEL